The following is an entry in ClinVar:

ClinVar aggregate classification (germline): Uncertain significance (1 of 4 stars; one submission).

Conditions:
Cardiovascular phenotype. Identifiers: MedGen CN230736.

Submission:

Ambry Genetics
Classification: Uncertain significance for Cardiovascular phenotype. Last evaluated: 2023-07-03. Review status: criteria provided, single submitter. Criteria: Ambry Variant Classification Scheme 2023. Collection method: clinical testing. Allele origin: germline.
Comment: The p.E497D variant (also known as c.1491G>T), located in coding exon 11 of the TRPM4 gene, results from a G to T substitution at nucleotide position 1491. The glutamic acid at codon 497 is replaced by aspartic acid, an amino acid with highly similar properties. This amino acid position is conserved. In addition, this alteration is predicted to be tolerated by in silico analysis. Since supporting evidence is limited at this time, the clinical significance of this alteration remains unclear.

NM_017636.4(TRPM4):c.1491G>T (p.Glu497Asp)

Gene: TRPM4 (transient receptor potential cation channel subfamily M member 4; plus strand). Cytogenetic location: 19q13.33.
Variant type: single nucleotide variant.
Coding change: c.1491G>T on transcript NM_017636.4 (MANE Select); coding-DNA position 1491, G replaced by T.
Protein change: p.Glu497Asp; replaces glutamic acid 497 with aspartic acid.
Molecular consequence: missense variant. On other transcripts: 5 prime UTR variant (1).
Genome position (GRCh38, 1-based): chr19:49,182,805, G>T. VCF-style: chr19-49182805-G-T. GRCh37 (hg19) VCF-style: chr19-49686062-G-T.
Other names: c.1491G>T, p.Glu497Asp (NM_001195227.2); c.1146G>T, p.Glu382Asp (NM_001321281.2); c.-63G>T (NM_001321282.2); c.969G>T, p.Glu323Asp (NM_001321283.2); c.429G>T, p.Glu143Asp (NM_001321285.2); short protein forms E143D, E323D, E382D, E497D.
Identifiers: ClinVar variation 2625616 (VCV002625616.2), dbSNP rs2514116311, ClinGen allele CA406799495.
Genomic context (GRCh38, chr19:49,182,805, plus strand): 5'-GGACCAGGCGTCCCACAGCGCAGGCACCAAAGCCCCAGCCCTAAAAGGGGGAGCTGCGGA[G>T]CTCCGGCCCCCTGACGTGGGGCATGTGCTGAGGATGCTGCTGGGGAAGATGTGCGCGCCG-3'
Protein context (NP_060106.2, residues 487-507): KAPALKGGAA[Glu497Asp]LRPPDVGHVL